The following is an entry in ClinVar:

NM_001005242.3(PKP2):c.2121G>A (p.Ser707=)

Gene: PKP2 (plakophilin 2; minus strand). Cytogenetic location: 12p11.21.
Variant type: single nucleotide variant.
Coding change: c.2121G>A on transcript NM_001005242.3 (MANE Select); coding-DNA position 2121, G replaced by A.
Protein change: p.Ser707=; no amino-acid change (serine 707 retained).
Molecular consequence: synonymous variant.
Genome position (GRCh38, 1-based): chr12:32,802,449, C>T on the plus strand (G>A on the coding strand, the complement: PKP2 is on the minus strand). VCF-style: chr12-32802449-C-T. GRCh37 (hg19) VCF-style: chr12-32955383-C-T.
Other names: c.2253G>A, p.Ser751= (NM_004572.4); c.2121G>A (NM_001005242.2).
Identifiers: ClinVar variation 188659 (VCV000188659.37), dbSNP rs139098675, ClinGen allele CA011831.
Genomic context (GRCh38, chr12:32,802,449, plus strand): 5'-TTATACCGACTCACCAATTTCATTCTGCAGAGAAAGATTCCGGGACAGATTCCTCAGCAG[C>T]GAGATGGCTGTCTTTTTCACACTTGGGTCACCAACATGCAGCATCTTTCGGGTGTGCTGC-3'
Protein context (NP_001005242.2, residues 697-717): GDPSVKKTAI[Ser707=]LLRNLSRNLS

ClinVar aggregate classification (germline): Likely benign. Review status: criteria provided, multiple submitters, no conflicts (2 of 4 stars). 16 submissions from 16 submitters: Likely benign (13). 3 of the submissions do not count toward it. Last evaluated 2026-08-01.

Conditions:
PKP2-related disorder. Also called: PKP2-related condition.
Cardiovascular phenotype. Identifiers: MedGen CN230736.
Cardiomyopathy (CMYO). Also called: Cardiomyopathies. Identifiers: Orphanet 167848, MedGen C0878544, MONDO:0004994, HP:0001638. Inheritance: Various modes of inheritance.
Arrhythmogenic right ventricular cardiomyopathy (ARVD). Also called: Arrhythmogenic cardiomyopathy; Arrhythmogenic Right Ventricular Cardiomyopathy (ARVC); Cardiomyopathy, ARVC; Arrhythmogenic right ventricular dysplasia. Identifiers: Orphanet 247, MedGen C0349788, MeSH D019571, MONDO:0016587. Disease mechanism: loss of function. Inheritance: Various modes of inheritance.
Arrhythmogenic right ventricular dysplasia 9 (ARVD9). Also called: ARRHYTHMOGENIC RIGHT VENTRICULAR DYSPLASIA, FAMILIAL, 9; Arrhythmogenic Right Ventricular Dysplasia/Cardiomyopathy 9. Identifiers: MedGen C1836906, MONDO:0012180, OMIM 609040.

Allele frequency attached by ClinVar (database versions not stated): gnomAD 0.00004; TOPMed 0.00004; gnomAD exomes 0.00005 and 0.00014; ExAC 0.00009; ESP Exome Variant Server 0.00015; 1000 Genomes Project 30x 0.00016; 1000 Genomes Project 0.00020.
gnomAD v4.1: 208 of 1,614,124 alleles (0.013%); highest among the groups gnomAD compares: Middle Eastern, 0.033%; no homozygotes.

Submissions (16):

CeGaT Center for Human Genetics Tuebingen
Classification: Likely benign. Last evaluated: 2026-08-01. Review status: criteria provided, single submitter. Criteria: CeGaT Center For Human Genetics Tuebingen Variant Classification Criteria Version 2. Collection method: clinical testing. Allele origin: germline. Affected: yes. Observed: 1 variant allele.
Comment: PKP2: BP4, BP7

PreventionGenetics, part of Exact Sciences
Classification: Likely benign for PKP2-related condition. Last evaluated: 2026-06-30. Review status: criteria provided, single submitter. Criteria: ACMG Guidelines, 2015. Collection method: clinical testing. Allele origin: germline.
Comment: This variant is classified as likely benign based on ACMG/AMP sequence variant interpretation guidelines (Richards et al. 2015 PMID: 25741868, with internal and published modifications).

Labcorp Genetics (formerly Invitae), Labcorp
Classification: Likely benign for Arrhythmogenic right ventricular dysplasia 9. Last evaluated: 2026-01-27. Review status: criteria provided, single submitter. Criteria: Invitae Variant Classification Sherloc (09022015). Collection method: clinical testing. Allele origin: germline.

Women's Health and Genetics/Laboratory Corporation of America, LabCorp
Classification: Likely benign. Last evaluated: 2025-11-28. Review status: criteria provided, single submitter. Criteria: LabCorp Variant Classification Summary - May 2015. Collection method: clinical testing. Allele origin: germline.

Molecular Diagnostic Laboratory for Inherited Cardiovascular Disease, Montreal Heart Institute
Classification: Likely benign. Last evaluated: 2025-04-09. Review status: criteria provided, single submitter. Criteria: ACMG Guidelines, 2015. Collection method: clinical testing. Allele origin: germline. Affected: no.

Blueprint Genetics
Classification: Likely benign. Last evaluated: 2024-08-29. Review status: criteria provided, single submitter. Criteria: ACMG Guidelines, 2015. Collection method: clinical testing. Allele origin: germline.

All of Us Research Program, National Institutes of Health
Classification: Likely benign for Arrhythmogenic right ventricular cardiomyopathy. Last evaluated: 2023-12-13. Review status: criteria provided, single submitter. Criteria: ACMG Guidelines, 2015. Collection method: clinical testing. Allele origin: germline. Inheritance: Autosomal dominant inheritance. Observed: 14 variant alleles, 14 heterozygotes.
Comment: This study involves interpretation of variants in research participants for the purpose of population health screening. Participant phenotype was not available at the time of variant classification. Additional details can be found in publication PMID: 35346344, PMCID: PMC8962531

GeneDx
Classification: Likely benign. Last evaluated: 2021-05-11. Review status: criteria provided, single submitter. Criteria: GeneDx Variant Classification Process June 2021. Collection method: clinical testing. Allele origin: germline. Affected: yes.

Ambry Genetics
Classification: Likely benign for Cardiovascular phenotype. Last evaluated: 2020-12-14. Review status: criteria provided, single submitter. Criteria: Ambry Variant Classification Scheme 2023. Collection method: clinical testing. Allele origin: germline.

ARUP Laboratories, Molecular Genetics and Genomics, ARUP Laboratories
Classification: Likely benign for Arrhythmogenic right ventricular dysplasia 9. Last evaluated: 2019-11-11. Review status: criteria provided, single submitter. Criteria: ARUP Molecular Germline Variant Investigation Process. Collection method: clinical testing. Allele origin: germline.

Color Diagnostics, LLC DBA Color Health
Classification: Likely benign for Cardiomyopathy. Last evaluated: 2019-04-26. Review status: criteria provided, single submitter. Criteria: ACMG Guidelines, 2015. Collection method: clinical testing. Allele origin: germline.

CHEO Genetics Diagnostic Laboratory, Children's Hospital of Eastern Ontario
Classification: Likely benign for Cardiomyopathy. Last evaluated: 2019-03-18. Review status: criteria provided, single submitter. Criteria: ACMG Guidelines, 2015. Collection method: clinical testing. Allele origin: germline.

Clinical Genetics DNA and cytogenetics Diagnostics Lab, Erasmus MC, Erasmus Medical Center
Classification: Likely benign for Arrhythmogenic right ventricular dysplasia 9. Last evaluated: 2015-09-21. Review status: criteria provided, single submitter. Criteria: ACGS Guidelines, 2013. Collection method: clinical testing. Allele origin: germline. Affected: yes. Study: VKGL Data-share Consensus.

Clinical Genetics, Academic Medical Center
Classification: Benign. Review status: no assertion criteria provided. Collection method: clinical testing. Allele origin: germline. Affected: yes. Study: VKGL Data-share Consensus. Not counted in ClinVar's aggregate classification.

Diagnostic Laboratory, Department of Genetics, University Medical Center Groningen
Classification: Likely benign for Arrhythmogenic right ventricular dysplasia 9. Review status: no assertion criteria provided. Collection method: clinical testing. Allele origin: germline. Affected: yes. Study: VKGL Data-share Consensus. Not counted in ClinVar's aggregate classification.

Joint Genome Diagnostic Labs from Nijmegen and Maastricht, Radboudumc and MUMC+
Classification: Likely benign. Review status: no assertion criteria provided. Collection method: clinical testing. Allele origin: germline. Affected: yes. Study: VKGL Data-share Consensus. Not counted in ClinVar's aggregate classification.